The following is an entry in ClinVar:

NM_003611.3(OFD1):c.312+5A>C

Gene: OFD1 (OFD1 centriole and centriolar satellite protein; plus strand). Cytogenetic location: Xp22.2.
Variant type: single nucleotide variant.
Coding change: c.312+5A>C on transcript NM_003611.3 (MANE Select); 5 bases into the intron after coding-DNA position 312, A replaced by C.
Molecular consequence: intron variant.
Genome position (GRCh38, 1-based): chrX:13,736,683, A>C. VCF-style: chrX-13736683-A-C. GRCh37 (hg19) VCF-style: chrX-13754802-A-C.
Other names: c.-234+5A>C (NM_001330210.2); c.312+5A>C (NM_001440947.1, NM_001330209.2, NM_001440948.1).
Identifiers: ClinVar variation 4787056 (VCV004787056.1).

ClinVar aggregate classification (germline): Uncertain significance (1 of 4 stars; one submission).

Conditions:
Joubert syndrome. Also called: Familial aplasia of the vermis; JOUBERT-BOLTSHAUSER SYNDROME; CEREBELLOPARENCHYMAL DISORDER IV. Identifiers: Orphanet 475, MedGen C5979921, MONDO:0018772.
Orofaciodigital syndrome I (OFD1). Also called: Papillon-Leage and Psaume Syndrome; OFDS I; Oral-Facial-Digital Syndrome Type I. Identifiers: Orphanet 2750, MedGen C1510460, MONDO:0010702, OMIM 311200.

Submission:

Labcorp Genetics (formerly Invitae), Labcorp
Classification: Uncertain significance for Orofaciodigital syndrome I; Joubert syndrome. Last evaluated: 2025-12-22. Review status: criteria provided, single submitter. Criteria: Invitae Variant Classification Sherloc (09022015). Collection method: clinical testing. Allele origin: germline.
Comment: This sequence change falls in intron 3 of the OFD1 gene. It does not directly change the encoded amino acid sequence of the OFD1 protein. It affects a nucleotide within the consensus splice site. This variant is not present in population databases (gnomAD no frequency). This variant has not been reported in the literature in individuals affected with OFD1-related conditions. Variants that disrupt the consensus splice site are a relatively common cause of aberrant splicing (PMID: 17576681, 9536098). Algorithms developed to predict the effect of sequence changes on RNA splicing suggest that this variant is not likely to affect RNA splicing. In summary, the available evidence is currently insufficient to determine the role of this variant in disease. Therefore, it has been classified as a Variant of Uncertain Significance.

Literature cited by the submitters: PubMed 17576681; PubMed 9536098.